The following is an entry in ClinVar:

ClinVar aggregate classification (germline): Likely benign. Review status: criteria provided, multiple submitters, no conflicts (2 of 4 stars). 2 submissions from 2 submitters: Likely benign (2). Last evaluated 2024-11-22.

Allele frequency attached by ClinVar (database versions not stated): gnomAD 0.00001; gnomAD exomes 0.00002; TOPMed below 0.00001.
gnomAD v4.1: 27 of 1,610,902 alleles (0.0017%); highest among the groups gnomAD compares: South Asian, 0.01%; no homozygotes.

Submissions (2):

Blueprint Genetics
Classification: Likely benign. Last evaluated: 2024-11-22. Review status: criteria provided, single submitter. Criteria: ACMG Guidelines, 2015. Collection method: clinical testing. Allele origin: germline.

CeGaT Center for Human Genetics Tuebingen
Classification: Likely benign. Last evaluated: 2024-04-01. Review status: criteria provided, single submitter. Criteria: CeGaT Center For Human Genetics Tuebingen Variant Classification Criteria Version 2. Collection method: clinical testing. Allele origin: germline. Affected: yes. Observed: 1 variant allele.
Comment: PHACTR1: BP4, BP7

NM_030948.6(PHACTR1):c.1260G>A (p.Arg420=)

Gene: PHACTR1 (phosphatase and actin regulator 1; plus strand). Cytogenetic location: 6p24.1.
Variant type: single nucleotide variant.
Coding change: c.1260G>A on transcript NM_030948.6 (MANE Select); coding-DNA position 1260, G replaced by A.
Protein change: p.Arg420=; no amino-acid change (arginine 420 retained).
Molecular consequence: synonymous variant.
Genome position (GRCh38, 1-based): chr6:13,230,062, G>A. VCF-style: chr6-13230062-G-A. GRCh37 (hg19) VCF-style: chr6-13230294-G-A.
Other names: c.1260G>A, p.Arg420= (NM_001242648.4, NM_001322308.3, NM_001322309.3 and 1 more transcripts); c.1467G>A, p.Arg489= (NM_001322310.2, NM_001374582.1); c.984G>A, p.Arg328= (NM_001322311.2, NM_001322312.3, NM_001374583.2); c.1191G>A, p.Arg397= (NM_001322313.2); c.1470G>A, p.Arg490= (NM_001322314.4).
Identifiers: ClinVar variation 3234457 (VCV003234457.21), dbSNP rs1268550417, ClinGen allele CA448959436.
Genomic context (GRCh38, chr6:13,230,062, plus strand): 5'-GTAAGCCTTAATTGACTCATTTCTGTCTCCTACAGGCTCCCTGGCCATGAAGGTCTGCAG[G>A]AAGGACTCCTTAGCCATCAAACTCAGCAACAGGCCCTCCAAGCGAGAGCTGGAAGAAAAG-3'
Protein context (NP_112210.1, residues 410-430): YTSSLAMKVC[Arg420=]KDSLAIKLSN